The following is an entry in ClinVar:

ClinVar aggregate classification (germline): Uncertain significance (1 of 4 stars; one submission).

Conditions:
Idiopathic generalized epilepsy. Also called: EIG; Generalised epilepsy. Identifiers: MedGen C0270850, MONDO:0005579, OMIM 600669.
Hyperaldosteronism, familial, type IV (HALD4). Also called: FH IV; ALDOSTERONISM, PRIMARY, AND HYPERTENSION. Identifiers: Orphanet 642671, MedGen C4310756, MONDO:0014875, OMIM 617027.

Submission:

Labcorp Genetics (formerly Invitae), Labcorp
Classification: Uncertain significance for Idiopathic generalized epilepsy; Hyperaldosteronism, familial, type IV. Last evaluated: 2021-04-24. Review status: criteria provided, single submitter. Criteria: Invitae Variant Classification Sherloc (09022015). Collection method: clinical testing. Allele origin: germline.
Comment: This variant has not been reported in the literature in individuals with CACNA1H-related conditions. The frequency data for this variant in the population databases is considered unreliable, as metrics indicate insufficient coverage at this position in the ExAC database. Advanced modeling of protein sequence and biophysical properties (such as structural, functional, and spatial information, amino acid conservation, physicochemical variation, residue mobility, and thermodynamic stability) performed at Invitae indicates that this missense variant is not expected to disrupt CACNA1H protein function. In summary, the available evidence is currently insufficient to determine the role of this variant in disease. Therefore, it has been classified as a Variant of Uncertain Significance. This sequence change replaces leucine with valine at codon 25 of the CACNA1H protein (p.Leu25Val). The leucine residue is weakly conserved and there is a small physicochemical difference between leucine and valine.

NM_021098.3(CACNA1H):c.73T>G (p.Leu25Val)

Gene: CACNA1H (calcium voltage-gated channel subunit alpha1 H; plus strand). Cytogenetic location: 16p13.3.
Variant type: single nucleotide variant.
Coding change: c.73T>G on transcript NM_021098.3 (MANE Select); coding-DNA position 73, T replaced by G.
Protein change: p.Leu25Val; replaces leucine 25 with valine.
Molecular consequence: missense variant.
Genome position (GRCh38, 1-based): chr16:1,153,810, T>G. VCF-style: chr16-1153810-T-G. GRCh37 (hg19) VCF-style: chr16-1203810-T-G.
Other names: c.73T>G, p.Leu25Val (NM_001005407.2); short protein forms L25V.
Identifiers: ClinVar variation 1436568 (VCV001436568.8), dbSNP rs2151603406, ClinGen allele CA394145433.